The following is an entry in ClinVar:

NM_001540.5(HSPB1):c.501C>T (p.Ala167=)

Gene: HSPB1 (heat shock protein family B (small) member 1; plus strand). Cytogenetic location: 7q11.23.
Variant type: single nucleotide variant.
Coding change: c.501C>T on transcript NM_001540.5 (MANE Select); coding-DNA position 501, C replaced by T.
Protein change: p.Ala167=; no amino-acid change (alanine 167 retained).
Molecular consequence: synonymous variant.
Genome position (GRCh38, 1-based): chr7:76,304,056, C>T. VCF-style: chr7-76304056-C-T. GRCh37 (hg19) VCF-style: chr7-75933373-C-T.
Other names: c.501C>T (LRG_248t1).
Identifiers: ClinVar variation 381272 (VCV000381272.78), dbSNP rs529095936, ClinGen allele CA4306433.
Genomic context (GRCh38, chr7:76,304,056, plus strand): 5'-TGTGGACCCCACCCAAGTTTCCTCCTCCCTGTCCCCTGAGGGCACACTGACCGTGGAGGC[C>T]CCCATGCCCAAGCTAGCCACGCAGTCCAACGAGATCACCATCCCAGTCACCTTCGAGTCG-3'
Protein context (NP_001531.1, residues 157-177): LSPEGTLTVE[Ala167=]PMPKLATQSN

ClinVar aggregate classification (germline): Benign/Likely benign. Review status: criteria provided, multiple submitters, no conflicts (2 of 4 stars). 6 submissions from 5 submitters: Benign (2); Likely benign (4). Last evaluated 2024-10-28.

Conditions:
Charcot-Marie-Tooth disease axonal type 2F (CMT2F). Also called: Charcot-Marie-Tooth Neuropathy Type 2F; CHARCOT-MARIE-TOOTH DISEASE, NEURONAL, TYPE 2F. Identifiers: Orphanet 99940, MedGen C1847823, MONDO:0011687, OMIM 606595.
Neuronopathy, distal hereditary motor, type 2B. Also called: NEURONOPATHY, DISTAL HEREDITARY MOTOR, AUTOSOMAL DOMINANT 3; NEURONOPATHY, DISTAL HEREDITARY MOTOR, HARDING TYPE IIB; NEUROPATHY, DISTAL HEREDITARY MOTOR, HARDING TYPE IIB; HMN IIB. Identifiers: Orphanet 139525, MedGen C2608087, MONDO:0012080, OMIM 608634.
Inborn genetic diseases. Identifiers: MedGen C0950123, MeSH D030342.

Allele frequency attached by ClinVar (database versions not stated): gnomAD 0.00007 and 0.00010; TOPMed 0.00007; gnomAD exomes 0.00015 and 0.00033; 1000 Genomes Project 30x 0.00016; 1000 Genomes Project 0.00020; ExAC 0.00027.
gnomAD v4.1: 243 of 1,613,882 alleles (0.015%); highest among the groups gnomAD compares: South Asian, 0.12%; 1 homozygote.

Submissions (6):

Labcorp Genetics (formerly Invitae), Labcorp
Classification: Benign for Charcot-Marie-Tooth disease axonal type 2F. Last evaluated: 2024-10-28. Review status: criteria provided, single submitter. Criteria: Invitae Variant Classification Sherloc (09022015). Collection method: clinical testing. Allele origin: germline.

CeGaT Center for Human Genetics Tuebingen
Classification: Likely benign. Last evaluated: 2023-11-01. Review status: criteria provided, single submitter. Criteria: CeGaT Center For Human Genetics Tuebingen Variant Classification Criteria Version 2. Collection method: clinical testing. Allele origin: germline. Affected: yes. Observed: 1 variant allele.
Comment: HSPB1: BP4, BS1

GeneDx
Classification: Likely benign. Last evaluated: 2021-06-11. Review status: criteria provided, single submitter. Criteria: GeneDx Variant Classification Process June 2021. Collection method: clinical testing. Allele origin: germline. Affected: yes.

Ambry Genetics
Classification: Likely benign for Inborn genetic diseases. Last evaluated: 2019-07-11. Review status: criteria provided, single submitter. Criteria: Ambry Variant Classification Scheme 2023. Collection method: clinical testing. Allele origin: germline.

Illumina Laboratory Services, Illumina
Classification: Benign for Neuronopathy, distal hereditary motor, type 2B. Last evaluated: 2018-01-13. Review status: criteria provided, single submitter. Criteria: ICSL Variant Classification Criteria 13 December 2019. Collection method: clinical testing. Allele origin: germline.
Comment: This variant was observed in the ICSL laboratory as part of a predisposition screen in an ostensibly healthy population. It had not been previously curated by ICSL or reported in the Human Gene Mutation Database (HGMD: prior to June 1st, 2018), and was therefore a candidate for classification through an automated scoring system. Utilizing variant allele frequency, disease prevalence and penetrance estimates, and inheritance mode, an automated score was calculated to assess if this variant is too frequent to cause the disease. Based on the score and internal cut-off values, a variant classified as benign is not then subjected to further curation. The score for this variant resulted in a classification of benign for this disease.

Illumina Laboratory Services, Illumina
Classification: Likely benign for Charcot-Marie-Tooth disease axonal type 2F. Last evaluated: 2018-01-13. Review status: criteria provided, single submitter. Criteria: ICSL Variant Classification Criteria 13 December 2019. Collection method: clinical testing. Allele origin: germline.
Comment: This variant was observed in the ICSL laboratory as part of a predisposition screen in an ostensibly healthy population. It had not been previously curated by ICSL or reported in the Human Gene Mutation Database (HGMD: prior to June 1st, 2018), and was therefore a candidate for classification through an automated scoring system. Utilizing variant allele frequency, disease prevalence and penetrance estimates, and inheritance mode, an automated score was calculated to assess if this variant is too frequent to cause the disease. Based on the score and internal cut-off values, a variant classified as likely benign is not then subjected to further curation. The score for this variant resulted in a classification of likely benign for this disease.